The following is an entry in ClinVar:

ClinVar aggregate classification (germline): Conflicting classifications of pathogenicity. Review status: criteria provided, conflicting classifications (1 of 4 stars). 20 submissions from 20 submitters: Pathogenic (2); Likely pathogenic (15); Uncertain significance (3). Last evaluated 2026-03-17.

Conditions:
MYH7-related disorder. Also called: MYH7-related disorders; MYH7-related condition; MYH7-related disease.
Cardiovascular phenotype. Identifiers: MedGen CN230736.
Dilated cardiomyopathy 1S (CMD1S). Identifiers: Orphanet 154, Orphanet 54260, MedGen C1834481, MONDO:0013262, OMIM 613426.
Hypertrophic cardiomyopathy 1 (CMH1). Also called: Familial hypertrophic cardiomyopathy 1; MYH7-Related Familial Hypertrophic Cardiomyopathy. Identifiers: MedGen C3495498, MONDO:0008647, OMIM 192600.
Cardiomyopathy (CMYO). Also called: Cardiomyopathies. Identifiers: Orphanet 167848, MedGen C0878544, MONDO:0004994, HP:0001638. Inheritance: Various modes of inheritance.
Primary dilated cardiomyopathy (DCM). Also called: Dilated Cardiomyopathy. Identifiers: Orphanet 217604, MedGen C0007193, MeSH D002311, MONDO:0005021, HP:0001644. Inheritance: Various modes of inheritance.
Hypertrophic cardiomyopathy. Also called: HYPERTROPHIC MYOCARDIOPATHY. Identifiers: Orphanet 217569, MedGen C0007194, MeSH D002312, MONDO:0005045, HP:0001639.

Allele frequency attached by ClinVar (database versions not stated): ExAC 0.00002; gnomAD 0.00002.
gnomAD v4.1: 45 of 1,614,014 alleles (0.0028%); highest among the groups gnomAD compares: Middle Eastern, 0.016%; no homozygotes.

Submissions 1 to 8 of 20:

MVZ Martinsried, Medicover Genetics
Classification: Likely pathogenic for Dilated cardiomyopathy 1S. Last evaluated: 2026-03-17. Review status: criteria provided, single submitter. Criteria: ClinGen Variant Curation SOP V3.2 + Classification Guidance July2025. Collection method: clinical testing. Allele origin: inherited. Observed: 1 heterozygote.

Women's Health and Genetics/Laboratory Corporation of America, LabCorp
Classification: Likely pathogenic for Cardiomyopathy. Last evaluated: 2026-03-03. Review status: criteria provided, single submitter. Criteria: LabCorp Variant Classification Summary - May 2015. Collection method: clinical testing. Allele origin: germline.
Comment: Variant summary: MYH7 c.2348G>A (p.Arg783His) results in a non-conservative amino acid change in the encoded protein sequence. Algorithms developed to predict the effect of missense changes on protein structure and function are either unavailable or do not agree on the potential impact of this missense change. The variant allele was found at a frequency of 1.6e-05 in 251466 control chromosomes. c.2348G>A has been observed in several cohorts and individual(s) affected with Cardiomyopathy and related conditions (e.g. Kostareva_2016, Jaaskelainen_2019, Lopes_2013, Walsh_2017, Sahlin_2018, Shanks_2018, Marschall_2019, Hathaway_2021, Park_2022, Sepp_2022, and Stava_2022) and also observed in a Father with Restrictive cardiomyopathy and son with Hypertrophic cardiomyopathy (Kostareva_2016). Additionally, several other variants have been observed in the literature at the same codon (e.g. p.R783C, p.R783G, p.R783L, p.R783P), supporting a critical relevance of this residue to MYH7 protein function. These data indicate that the variant is likely to be associated with disease. To our knowledge, no experimental evidence demonstrating an impact on protein function has been reported. ClinVar contains an entry for this variant (Variation ID: 180437). Based on the evidence outlined above, the variant was classified as likely pathogenic.

Petrovsky National Research Centre of Surgery, The Federal Agency for Scientific Organizations
Classification: Likely pathogenic for Primary dilated cardiomyopathy. Last evaluated: 2026-01-28. Review status: criteria provided, single submitter. Criteria: ACMG Guidelines, 2015. Collection method: clinical testing. Allele origin: germline. Affected: yes. Observed: 1 variant allele.
Comment: The variant is in The Genome Aggregation Database (gnomAD) v4.1.0 with total 2.788e-05. (Date of access 2026-01-28). In accordance with ACMG (2015) criteria this variant is classified as Likely pathogenic with following criteria selected: PM2, PM5, PM1, PS4_Supporting.

Labcorp Genetics (formerly Invitae), Labcorp
Classification: Pathogenic for Hypertrophic cardiomyopathy. Last evaluated: 2026-01-13. Review status: criteria provided, single submitter. Criteria: Invitae Variant Classification Sherloc (09022015). Collection method: clinical testing. Allele origin: germline.
Comment: This sequence change replaces arginine, which is basic and polar, with histidine, which is basic and polar, at codon 783 of the MYH7 protein (p.Arg783His). This variant is present in population databases (rs397516142, gnomAD 0.004%). This missense change has been observed in individuals with hypertrophic cardiomyopathy (PMID: 18258667, 24111713, 25351510, 27532257, 27662471, 30775854, 33673806, 35626289; internal data). ClinVar contains an entry for this variant (Variation ID: 180437). Invitae Evidence Modeling of protein sequence and biophysical properties (such as structural, functional, and spatial information, amino acid conservation, physicochemical variation, residue mobility, and thermodynamic stability) indicates that this missense variant is expected to disrupt MYH7 protein function with a positive predictive value of 95%. This variant disrupts the p.Arg783 amino acid residue in MYH7. Other variant(s) that disrupt this residue have been determined to be pathogenic (PMID: 21211974). This suggests that this residue is clinically significant, and that variants that disrupt this residue are likely to be disease-causing. For these reasons, this variant has been classified as Pathogenic.

GeneDx
Classification: Uncertain significance. Last evaluated: 2025-12-10. Review status: criteria provided, single submitter. Criteria: GeneDx Variant Classification Process June 2021. Collection method: clinical testing. Allele origin: germline. Affected: yes.
Comment: Not observed at significant frequency in large population cohorts (gnomAD); In silico analysis suggests that this missense variant does not alter protein structure/function; This variant is associated with the following publications: (PMID: 18258667, 27532257, 24111713, 25351510, 27662471, 28831623, 29915097, 28606303, 31737537, 33673806, Farn2021[CaseReport], 35653365, 34542152, 35063694, 35626289, 35456187, 30775854, 30615648, 35534676, 34621001, 39486665, 40915048, 39096151, 37652022, 38186735, 39152783, 39545406, 29300372)

PreventionGenetics, part of Exact Sciences
Classification: Likely pathogenic for MYH7-related condition. Last evaluated: 2025-11-14. Review status: criteria provided, single submitter. Criteria: ACMG Guidelines, 2015. Collection method: clinical testing. Allele origin: germline.
Comment: The MYH7 c.2348G>A variant is predicted to result in the amino acid substitution p.Arg783His. This variant has been reported in over 25 individuals with hypertrophic (HCM) or restrictive cardiomyopathy (see for example: Waldmüller et al. 2008. PubMed ID: 18258667; Berge and Leren. 2014. PubMed ID: 24111713; Table S1A, Walsh et al. 2017. PubMed ID: 27532257). This variant is reported in 0.0040% of alleles in individuals of African descent in gnomAD. This variant is located within a hotspot for HCM-related missense variations (p.167-931, Walsh et al. 2019. PubMed ID: 30696458). Alternate missense variants of the same amino acid (p.Arg783Pro, p.Arg783Cys, and p.Arg783Leu) have also been reported as disease-causing in individuals with HCM, dilated cardiomyopathy, or sudden cardiac death (Homayoun et al. 2011. PubMed ID: 21211974; Dataset S1, Homburger et al. 2016. PubMed ID: 27247418; Fadoni et al. 2022. PubMed ID: 34984526). Taken together, the p.Arg783His variant is interpreted as likely pathogenic.

Variantyx, Inc.
Classification: Likely pathogenic for Hypertrophic cardiomyopathy 1. Last evaluated: 2025-11-12. Review status: criteria provided, single submitter. Criteria: Variantyx Assertion Criteria 2022. Collection method: clinical testing. Allele origin: germline. Inheritance: Autosomal dominant inheritance. Affected: yes.
Comment: This is a nonsynonymous variant in the MYH7 gene (OMIM: 160760). Pathogenic variants in this gene have been associated with autosomal dominant hypertrophic cardiomyopathy 1. The frequency of this variant in affected individuals is significantly increased compared to controls (PMID: 27532257, 37652022, 33673806, 35653365) (PS4) and the variant lies within a known hotspot for pathogenic variants or a well-established critical functional domain of the MYH7 protein (PMID: 30696458) (PM1). Computational algorithms produce conflicting evidence regarding the predicted functional impact of this variant (REVEL score: 0.599). This variant has a 0.0033% maximum allele frequency in non-founder control populations. Based on the current evidence, this variant is classified as likely pathogenic for autosomal dominant hypertrophic cardiomyopathy 1.

Institute of Human Genetics, Heidelberg University
Classification: Likely pathogenic for Hypertrophic cardiomyopathy 1. Last evaluated: 2025-07-17. Review status: criteria provided, single submitter. Criteria: ACMG Guidelines, 2015. Collection method: clinical testing. Allele origin: germline. Observed: 1 variant allele.
Comment: PM5, PM1, PM2, PS4_mod

NM_000257.4(MYH7):c.2348G>A (p.Arg783His)

Genes: MYH7 (myosin heavy chain 7; minus strand), LOC126861898 (BRD4-independent group 4 enhancer GRCh37_chr14:23893609-23894808; plus strand). Cytogenetic location: 14q11.2.
Variant type: single nucleotide variant.
Coding change: c.2348G>A on transcript NM_000257.4 (MANE Select); coding-DNA position 2348, G replaced by A.
Protein change: p.Arg783His; replaces arginine 783 with histidine.
Molecular consequence: missense variant.
Genome position (GRCh38, 1-based): chr14:23,425,357, C>T on the plus strand (G>A on the coding strand, the complement: MYH7 is on the minus strand). VCF-style: chr14-23425357-C-T. GRCh37 (hg19) VCF-style: chr14-23894566-C-T.
Other names: short protein forms R783H.
Identifiers: ClinVar variation 180437 (VCV000180437.81), dbSNP rs397516142, ClinGen allele CA012190.